The following is an entry in ClinVar:

ClinVar aggregate classification (germline): Likely pathogenic (1 of 4 stars; one submission).

Conditions:
Dilated cardiomyopathy 1G (CMD1G). Identifiers: Orphanet 154, MedGen C1858763, MONDO:0011400, OMIM 604145.
Autosomal recessive limb-girdle muscular dystrophy type 2J (LGMDR10). Also called: MUSCULAR DYSTROPHY, LIMB-GIRDLE, AUTOSOMAL RECESSIVE 10; Limb-girdle muscular dystrophy, type 2J. Identifiers: Orphanet 140922, MedGen C1837342, MONDO:0012127, OMIM 608807.

Submission:

Labcorp Genetics (formerly Invitae), Labcorp
Classification: Likely pathogenic for Dilated cardiomyopathy 1G; Autosomal recessive limb-girdle muscular dystrophy type 2J. Last evaluated: 2024-10-18. Review status: criteria provided, single submitter. Criteria: Invitae Variant Classification Sherloc (09022015). Collection method: clinical testing. Allele origin: germline.
Comment: This sequence change creates a premature translational stop signal (p.Glu4587_Val4591delins13*) in the TTN gene. While this is not anticipated to result in nonsense mediated decay, it is expected to create a truncated TTN protein. This variant is not present in population databases (gnomAD no frequency). This variant has not been reported in the literature in individuals affected with TTN-related conditions. ClinVar contains an entry for this variant (Variation ID: 2002961). This variant is located in the I band of TTN (PMID: 25589632). Truncating variants in this region have been reported in individuals affected with autosomal recessive centronuclear myopathy (PMID: 23975875, internal data). Truncating variants in this region have also been identified in individuals affected with autosomal dominant dilated cardiomyopathy and/or cardio-related conditions (PMID: 27869827, 32964742, internal data). In summary, the currently available evidence indicates that the variant is pathogenic, but additional data are needed to prove that conclusively. Therefore, this variant has been classified as Likely Pathogenic.

Literature cited by the submitters: PubMed 25589632; PubMed 23975875; PubMed 27869827; PubMed 32964742.

NM_001267550.2(TTN):c.13759_13772delinsTTCTTTGTTATTTTTAAACCAAGTAACCTGGATCACAGGTGAGCCTTTCAGCTTGCAATGGAGGCGTGCTGATTCACCTGGGAGCATTAAATAAGAGGGATCCACCTTCTTCACGAAGGATGGTGGCTCTACATGAAGTTTACAAA (p.Glu4587_Val4591delinsPhePheValIlePheLysProSerAsnLeuAspHisArgTer)

Gene: TTN (titin; minus strand). Cytogenetic location: 2q31.2.
Variant type: Indel.
Coding change: c.13759_13772delinsTTCTTTGTTATTTTTAAACCAAGTAACCTGGATCACAGGTGAGCCTTTCAGCTTGCAATGGAGGCGTGCTGATTCACCTGGGAGCATTAAATAAGAGGGATCCACCTTCTTCACGAAGGATGGTGGCTCTACATGAAGTTTACAAA on transcript NM_001267550.2 (MANE Select); coding-DNA positions 13759 to 13772, the reference bases replaced by an inserted sequence.
Protein change: p.Glu4587_Val4591delinsPhePheValIlePheLysProSerAsnLeuAspHisArgTer.
Molecular consequence: nonsense. On other transcripts: intron variant (1).
Genome position (GRCh38, 1-based): chr2:178,739,461-178,739,474, 14 bases replaced. GRCh37 (hg19): chr2:179,604,188-179,604,201.
Other names: c.12808_12821delinsTTCTTTGTTATTTTTAAACCAAGTAACCTGGATCACAGGTGAGCCTTTCAGCTTGCAATGGAGGCGTGCTGATTCACCTGGGAGCATTAAATAAGAGGGATCCACCTTCTTCACGAAGGATGGTGGCTCTACATGAAGTTTACAAA, p.Glu4270_Val4274delinsPhePheValIlePheLysProSerAsnLeuAspHisArgTer (NM_001256850.1); c.12670_12683delinsTTCTTTGTTATTTTTAAACCAAGTAACCTGGATCACAGGTGAGCCTTTCAGCTTGCAATGGAGGCGTGCTGATTCACCTGGGAGCATTAAATAAGAGGGATCCACCTTCTTCACGAAGGATGGTGGCTCTACATGAAGTTTACAAA, p.Glu4224_Val4228delinsPhePheValIlePheLysProSerAsnLeuAspHisArgTer (NM_003319.4); c.13045_13058delinsTTCTTTGTTATTTTTAAACCAAGTAACCTGGATCACAGGTGAGCCTTTCAGCTTGCAATGGAGGCGTGCTGATTCACCTGGGAGCATTAAATAAGAGGGATCCACCTTCTTCACGAAGGATGGTGGCTCTACATGAAGTTTACAAA, p.Glu4349_Val4353delinsPhePheValIlePheLysProSerAsnLeuAspHisArgTer (NM_133432.3); c.13246_13259delinsTTCTTTGTTATTTTTAAACCAAGTAACCTGGATCACAGGTGAGCCTTTCAGCTTGCAATGGAGGCGTGCTGATTCACCTGGGAGCATTAAATAAGAGGGATCCACCTTCTTCACGAAGGATGGTGGCTCTACATGAAGTTTACAAA, p.Glu4416_Val4420delinsPhePheValIlePheLysProSerAsnLeuAspHisArgTer (NM_133437.4); c.10361-1114_10361-1101delinsTTCTTTGTTATTTTTAAACCAAGTAACCTGGATCACAGGTGAGCCTTTCAGCTTGCAATGGAGGCGTGCTGATTCACCTGGGAGCATTAAATAAGAGGGATCCACCTTCTTCACGAAGGATGGTGGCTCTACATGAAGTTTACAAA (NM_133378.4).
Identifiers: ClinVar variation 2002961 (VCV002002961.4), dbSNP rs2530605530, ClinGen allele CA2580065228.